The following is an entry in ClinVar:

NM_031475.3(ESPN):c.1950C>T (p.Gly650=)

Gene: ESPN (espin; plus strand). Cytogenetic location: 1p36.31.
Variant type: single nucleotide variant.
Coding change: c.1950C>T on transcript NM_031475.3 (MANE Select); coding-DNA position 1950, C replaced by T.
Protein change: p.Gly650=; no amino-acid change (glycine 650 retained).
Molecular consequence: synonymous variant.
Genome position (GRCh38, 1-based): chr1:6,451,637, C>T. VCF-style: chr1-6451637-C-T. GRCh37 (hg19) VCF-style: chr1-6511697-C-T.
Other names: c.1860C>T, p.Gly620= (NM_001367473.1); c.1887C>T, p.Gly629= (NM_001367474.1).
Identifiers: ClinVar variation 226633 (VCV000226633.19), dbSNP rs116163286, ClinGen allele CA560327.

ClinVar aggregate classification (germline): Benign/Likely benign. Review status: criteria provided, multiple submitters, no conflicts (2 of 4 stars). 5 submissions from 5 submitters: Benign (2); Likely benign (2). 1 of the submissions does not count toward it. Last evaluated 2025-10-08.

Conditions:
ESPN-related disorder. Also called: ESPN-related condition.

Allele frequency attached by ClinVar (database versions not stated): gnomAD exomes 0.00016 and 0.00043; ExAC 0.00055; gnomAD 0.00125 and 0.00138; 1000 Genomes Project 0.00140; 1000 Genomes Project 30x 0.00156; TOPMed 0.00156; ESP Exome Variant Server 0.00192.
gnomAD v4.1: 435 of 1,613,224 alleles (0.027%); highest among the groups gnomAD compares: African/African-American, 0.5%; 1 homozygote.

Submissions (6):

Labcorp Genetics (formerly Invitae), Labcorp
Classification: Benign. Last evaluated: 2025-10-08. Review status: criteria provided, single submitter. Criteria: Invitae Variant Classification Sherloc (09022015). Collection method: clinical testing. Allele origin: germline.

Blueprint Genetics
Classification: Likely benign. Last evaluated: 2024-08-30. Review status: criteria provided, single submitter. Criteria: ACMG Guidelines, 2015. Collection method: clinical testing. Allele origin: germline.

GeneDx
Classification: Likely benign. Last evaluated: 2020-03-24. Review status: criteria provided, single submitter. Criteria: GeneDx Variant Classification Process June 2021. Collection method: clinical testing. Allele origin: germline. Affected: yes.

Laboratory for Molecular Medicine, Mass General Brigham Personalized Medicine
Classification: Benign. Last evaluated: 2012-05-07. Review status: criteria provided, single submitter. Criteria: LMM Criteria. Collection method: clinical testing. Allele origin: germline. Observed: 2 variant alleles.
Comment: "Gly650Gly in Exon 09 of ESPN: This variant is not expected to have clinical sig nificance because it does not alter an amino acid residue, is not located within the splice consensus sequence, and has been identified in 0.6% (22/3738) of Afr ican American chromosomes from a broad population by the NHLBI Exome Sequencing Project (dbSNP rs116163286)."

PreventionGenetics, part of Exact Sciences
Classification: Likely benign for ESPN-related condition. Last evaluated: 2020-09-30. Review status: no assertion criteria provided. Collection method: clinical testing. Allele origin: germline. Not counted in ClinVar's aggregate classification.
Comment: This variant is classified as likely benign based on ACMG/AMP sequence variant interpretation guidelines (Richards et al. 2015 PMID: 25741868, with internal and published modifications).

Dr. Peter K. Rogan Lab, Western University
No classification provided (evidence only). Condition: Cervical cancer. Review status: no classification provided. Collection method: in vitro. Allele origin: not applicable. Functional consequence: skipped exon. Not counted in ClinVar's aggregate classification.